The following is an entry in ClinVar:

ClinVar aggregate classification (germline): Uncertain significance. Review status: criteria provided, multiple submitters, no conflicts (2 of 4 stars). 3 submissions from 3 submitters: Uncertain significance (3). Last evaluated 2025-08-12.

Conditions:
Episodic ataxia type 6. Identifiers: Orphanet 209967, MedGen C2675211, MONDO:0012982, OMIM 612656.
Inborn genetic diseases. Identifiers: MedGen C0950123, MeSH D030342.

Allele frequency attached by ClinVar (database versions not stated): gnomAD 0.00001; gnomAD exomes 0.00002; TOPMed 0.00002; ExAC 0.00004.

Submissions (3):

Ambry Genetics
Classification: Uncertain significance for Inborn genetic diseases. Last evaluated: 2025-08-12. Review status: criteria provided, single submitter. Criteria: Ambry Variant Classification Scheme 2023. Collection method: clinical testing. Allele origin: germline.

Labcorp Genetics (formerly Invitae), Labcorp
Classification: Uncertain significance. Last evaluated: 2022-12-09. Review status: criteria provided, single submitter. Criteria: Invitae Variant Classification Sherloc (09022015). Collection method: clinical testing. Allele origin: germline.
Comment: In summary, the available evidence is currently insufficient to determine the role of this variant in disease. Therefore, it has been classified as a Variant of Uncertain Significance. Advanced modeling of protein sequence and biophysical properties (such as structural, functional, and spatial information, amino acid conservation, physicochemical variation, residue mobility, and thermodynamic stability) performed at Invitae indicates that this missense variant is not expected to disrupt SLC1A3 protein function. This variant has not been reported in the literature in individuals affected with SLC1A3-related conditions. This variant is present in population databases (rs752276609, gnomAD 0.01%). This sequence change replaces isoleucine, which is neutral and non-polar, with valine, which is neutral and non-polar, at codon 133 of the SLC1A3 protein (p.Ile133Val).

Department of Pathology and Laboratory Medicine, Sinai Health System
Classification: Uncertain significance for Episodic ataxia type 6. Last evaluated: 2022-04-25. Review status: criteria provided, single submitter. Criteria: ACMG Guidelines, 2015. Collection method: research. Allele origin: germline.

NM_004172.5(SLC1A3):c.397A>G (p.Ile133Val)

Genes: SLC1A3 (solute carrier family 1 member 3; plus strand), SLC1A3-AS1 (SLC1A3 antisense RNA 1; minus strand). Cytogenetic location: 5p13.2.
Variant type: single nucleotide variant.
Coding change: c.397A>G on transcript NM_004172.5 (MANE Select); coding-DNA position 397, A replaced by G.
Protein change: p.Ile133Val; replaces isoleucine 133 with valine.
Molecular consequence: missense variant.
Genome position (GRCh38, 1-based): chr5:36,671,106, A>G. VCF-style: chr5-36671106-A-G. GRCh37 (hg19) VCF-style: chr5-36671208-A-G.
Other names: c.397A>G, p.Ile133Val (NM_001166695.3, NM_001289940.2); c.259A>G, p.Ile87Val (NM_001289939.2); c.397A>G (NM_004172.4); short protein forms I87V, I133V.
Identifiers: ClinVar variation 2973063 (VCV002973063.5), dbSNP rs752276609, ClinGen allele CA3235452.